The following is an entry in ClinVar:

NM_001042492.3(NF1):c.529dup (p.Ile177fs)

Gene: NF1 (neurofibromin 1; plus strand). Cytogenetic location: 17q11.2.
Variant type: Duplication.
Coding change: c.529dup on transcript NM_001042492.3 (MANE Select); coding-DNA position 529, one base duplicated (A; older notation c.529dupA).
Protein change: p.Ile177fs; shifts the reading frame from isoleucine 177.
Molecular consequence: frameshift variant.
Genome position (GRCh38, 1-based): chr17:31,169,940, A duplicated. VCF-style (leftmost placement, unchanged base first): chr17-31169939-T-TA. GRCh37 (hg19) VCF-style: chr17-29496957-T-TA.
Other names: c.529dupA (NM_000267.3); c.529dup, p.Ile177fs (NM_001128147.3); c.529dup, p.Ile177Asnfs (NM_000267.4); short protein forms I177fs.
Identifiers: ClinVar variation 527453 (VCV000527453.5), dbSNP rs1555607093, ClinGen allele CA658798765.
Genomic context (GRCh38, chr17:31,169,939, plus strand): 5'-TTTACTTTTTAGGTTACAGGAATTAACTGTTTGTTCAGAAGACAATGTTGATGTTCATGA[T>TA]ATAGAATTGTTACAGTATATCAATGTGGATTGTGCAAAATTAAAACGACTCCTGAAGGGT-3'

ClinVar aggregate classification (germline): Pathogenic (1 of 4 stars; one submission).

Conditions:
Neurofibromatosis, type 1 (NF1). Also called: VON RECKLINGHAUSEN DISEASE; NEUROFIBROMATOSIS, TYPE I, SOMATIC; Peripheral type neurofibromatosis; Neurofibromatosis, type I. Identifiers: Orphanet 636, MedGen C0027831, MONDO:0018975, OMIM 162200. Disease mechanism: loss of function.

Submission:

Labcorp Genetics (formerly Invitae), Labcorp
Classification: Pathogenic for Neurofibromatosis, type 1. Last evaluated: 2024-08-06. Review status: criteria provided, single submitter. Criteria: Invitae Variant Classification Sherloc (09022015). Collection method: clinical testing. Allele origin: germline.
Comment: This sequence change creates a premature translational stop signal (p.Ile177Asnfs*24) in the NF1 gene. It is expected to result in an absent or disrupted protein product. Loss-of-function variants in NF1 are known to be pathogenic (PMID: 10712197, 23913538). This variant is not present in population databases (gnomAD no frequency). This variant has not been reported in the literature in individuals affected with NF1-related conditions. ClinVar contains an entry for this variant (Variation ID: 527453). For these reasons, this variant has been classified as Pathogenic.

Literature cited by the submitters: PubMed 10712197; PubMed 23913538.